The following is an entry in ClinVar:

ClinVar aggregate classification (germline): Uncertain significance (1 of 4 stars; one submission).

Conditions:
Familial cancer of breast. Also called: Hereditary breast cancer; BREAST CANCER, FAMILIAL; hereditary breast carcinoma. Identifiers: Orphanet 227535, MedGen C0346153, MONDO:0016419, OMIM 114480. Disease mechanism: loss of function.

Submission:

Labcorp Genetics (formerly Invitae), Labcorp
Classification: Uncertain significance for Familial cancer of breast. Last evaluated: 2021-08-31. Review status: criteria provided, single submitter. Criteria: Invitae Variant Classification Sherloc (09022015). Collection method: clinical testing. Allele origin: germline.
Comment: This sequence change replaces leucine with valine at codon 338 of the CHEK2 protein (p.Leu338Val). The leucine residue is highly conserved and there is a small physicochemical difference between leucine and valine. This variant is not present in population databases (ExAC no frequency). This variant has not been reported in the literature in individuals affected with CHEK2-related conditions. Algorithms developed to predict the effect of missense changes on protein structure and function are either unavailable or do not agree on the potential impact of this missense change (SIFT: "Deleterious"; PolyPhen-2: "Possibly Damaging"; Align-GVGD: "Class C0"). In summary, the available evidence is currently insufficient to determine the role of this variant in disease. Therefore, it has been classified as a Variant of Uncertain Significance.

NM_007194.4(CHEK2):c.1012C>G (p.Leu338Val)

Gene: CHEK2 (checkpoint kinase 2; minus strand). Cytogenetic location: 22q12.1.
Variant type: single nucleotide variant.
Coding change: c.1012C>G on transcript NM_007194.4 (MANE Select); coding-DNA position 1012, C replaced by G.
Protein change: p.Leu338Val; replaces leucine 338 with valine.
Molecular consequence: missense variant. On other transcripts: intron variant (3).
Genome position (GRCh38, 1-based): chr22:28,696,984, G>C on the plus strand (C>G on the coding strand, the complement: CHEK2 is on the minus strand). VCF-style: chr22-28696984-G-C. GRCh37 (hg19) VCF-style: chr22-29092972-G-C.
Other names: c.1141C>G, p.Leu381Val (NM_001005735.3); c.349C>G, p.Leu117Val (NM_001257387.3, NM_001437942.1); c.811C>G, p.Leu271Val (NM_001349956.3); c.1105C>G, p.Leu369Val (NM_001438293.1); c.1009-1111C>G (NM_145862.3); c.1102-1111C>G (NM_001438295.1); c.1138-1111C>G (NM_001438294.1); short protein forms L271V, L381V, L117V, L338V, L369V.
Identifiers: ClinVar variation 1377353 (VCV001377353.7), dbSNP rs587782441, ClinGen allele CA411097847.